The following is an entry in ClinVar:

ClinVar aggregate classification (germline): Likely benign (0 of 4 stars; one submission).

Conditions:
DLG4-related disorder. Also called: DLG4-related condition.

Allele frequency attached by ClinVar (database versions not stated): gnomAD exomes 0.00001; ExAC 0.00008; gnomAD 0.00011; TOPMed 0.00014; ESP Exome Variant Server 0.00024.

Submission:

PreventionGenetics, part of Exact Sciences
Classification: Likely benign for DLG4-related condition. Last evaluated: 2023-11-11. Review status: no assertion criteria provided. Collection method: clinical testing. Allele origin: germline.
Comment: This variant is classified as likely benign based on ACMG/AMP sequence variant interpretation guidelines (Richards et al. 2015 PMID: 25741868, with internal and published modifications).

NM_001321075.3(DLG4):c.399G>A (p.Ala133=)

Gene: DLG4 (discs large MAGUK scaffold protein 4; minus strand). Cytogenetic location: 17p13.1.
Variant type: single nucleotide variant.
Coding change: c.399G>A on transcript NM_001321075.3 (MANE Select); coding-DNA position 399, G replaced by A.
Protein change: p.Ala133=; no amino-acid change (alanine 133 retained).
Molecular consequence: synonymous variant. On other transcripts: non-coding transcript variant (1).
Genome position (GRCh38, 1-based): chr17:7,203,530, C>T on the plus strand (G>A on the coding strand, the complement: DLG4 is on the minus strand). VCF-style: chr17-7203530-C-T. GRCh37 (hg19) VCF-style: chr17-7106849-C-T.
Other names: c.390G>A, p.Ala130= (NM_001128827.4); c.519G>A, p.Ala173= (NM_001321074.1); c.219G>A, p.Ala73= (NM_001321076.3, NM_001321077.3); c.528G>A, p.Ala176= (NM_001365.5); c.318G>A, p.Ala106= (NM_001369566.3).
Identifiers: ClinVar variation 3036475 (VCV003036475.2), dbSNP rs367840666, ClinGen allele CA8337199.